The following is an entry in ClinVar:

NM_018406.7(MUC4):c.6421G>C (p.Asp2141His)

Gene: MUC4 (mucin 4, cell surface associated). Cytogenetic location: 3q29.
Variant type: single nucleotide variant.
Coding change: c.6421G>C on transcript NM_018406.7 (MANE Select); coding-DNA position 6421, G replaced by C.
Protein change: p.Asp2141His; replaces aspartic acid 2141 with histidine.
Molecular consequence: missense variant. On other transcripts: genic upstream transcript variant (2).
Genome position (GRCh38, 1-based): chr3:195,785,159, C>G on the plus strand (G>C on the coding strand, the complement: MUC4 is on the minus strand). VCF-style: chr3-195785159-C-G. GRCh37 (hg19) VCF-style: chr3-195512030-C-G.
Other names: c.9268G>C, p.Asp3090His (NM_001322468.1); c.83-10854G>C (NM_138297.5); c.83-6704G>C (NM_004532.6); short protein forms D2141H, D3090H.
Identifiers: ClinVar variation 3234152 (VCV003234152.20), dbSNP rs71617307, ClinGen allele CA2773030.

ClinVar aggregate classification (germline): Likely benign (1 of 4 stars; one submission).

Allele frequency attached by ClinVar (database versions not stated): ExAC 0.00013; gnomAD 0.00041.

Submission:

CeGaT Center for Human Genetics Tuebingen
Classification: Likely benign. Last evaluated: 2024-04-01. Review status: criteria provided, single submitter. Criteria: CeGaT Center For Human Genetics Tuebingen Variant Classification Criteria Version 2. Collection method: clinical testing. Allele origin: germline. Affected: yes. Observed: 1 variant allele.
Comment: MUC4: BS2